The following is an entry in ClinVar:

ClinVar aggregate classification (germline): Conflicting classifications of pathogenicity. Review status: criteria provided, conflicting classifications (1 of 4 stars). 2 submissions from 2 submitters: Uncertain significance (1); Likely benign (1). Last evaluated 2024-03-06.

Conditions:
Hereditary cancer-predisposing syndrome. Also called: Neoplastic Syndromes, Hereditary; Tumor predisposition; Hereditary Cancer Syndrome; Hereditary neoplastic syndrome. Identifiers: Orphanet 140162, MedGen C0027672, MeSH D009386, MONDO:0015356.

Submissions (2):

Color Diagnostics, LLC DBA Color Health
Classification: Uncertain significance for Hereditary cancer-predisposing syndrome. Last evaluated: 2024-03-06. Review status: criteria provided, single submitter. Criteria: ACMG Guidelines, 2015. Collection method: clinical testing. Allele origin: germline.
Comment: This missense variant replaces alanine with aspartic acid at codon 1670 of the BRCA2 protein. Computational prediction suggests that this variant may not impact protein structure and function (internally defined REVEL score threshold <= 0.5, PMID: 27666373). Splice site prediction tools suggest that this variant may not impact RNA splicing. To our knowledge, functional studies have not been performed for this variant. This variant has not been reported in individuals affected with hereditary cancer in the literature. This variant has not been identified in the general population by the Genome Aggregation Database (gnomAD). The available evidence is insufficient to determine the role of this variant in disease conclusively. Therefore, this variant is classified as a Variant of Uncertain Significance.

University of Washington Department of Laboratory Medicine, University of Washington
Classification: Likely benign for Hereditary cancer-predisposing syndrome. Last evaluated: 2023-03-23. Review status: criteria provided, single submitter. Criteria: Dines et al. (Genet Med. 2020). Collection method: curation. Allele origin: germline.
Comment: Missense variant in a coldspot region where missense variants are very unlikely to be pathogenic (PMID:31911673).

BRCA2 exon 11 coldspot. Reclassification based on statistical prior probability.

NM_000059.4(BRCA2):c.5009C>A (p.Ala1670Asp)

Gene: BRCA2 (BRCA2 DNA repair associated; plus strand). Cytogenetic location: 13q13.1.
Variant type: single nucleotide variant.
Coding change: c.5009C>A on transcript NM_000059.4 (MANE Select); coding-DNA position 5009, C replaced by A.
Protein change: p.Ala1670Asp; replaces alanine 1670 with aspartic acid.
Molecular consequence: missense variant.
Genome position (GRCh38, 1-based): chr13:32,339,364, C>A. VCF-style: chr13-32339364-C-A. GRCh37 (hg19) VCF-style: chr13-32913501-C-A.
Other names: short protein forms A1670D.
Identifiers: ClinVar variation 921919 (VCV000921919.6), dbSNP rs1566231551, ClinGen allele CA387783939.